The following is an entry in ClinVar:

NM_020247.5(COQ8A):c.1737C>T (p.Gly579=)

Gene: COQ8A (coenzyme Q8A; plus strand). Cytogenetic location: 1q42.13.
Variant type: single nucleotide variant.
Coding change: c.1737C>T on transcript NM_020247.5 (MANE Select); coding-DNA position 1737, C replaced by T.
Protein change: p.Gly579=; no amino-acid change (glycine 579 retained).
Molecular consequence: synonymous variant.
Genome position (GRCh38, 1-based): chr1:226,986,530, C>T. VCF-style: chr1-226986530-C-T. GRCh37 (hg19) VCF-style: chr1-227174231-C-T.
Identifiers: ClinVar variation 4534878 (VCV004534878.6).

ClinVar aggregate classification (germline): Likely benign (1 of 4 stars; one submission).

Submission:

CeGaT Center for Human Genetics Tuebingen
Classification: Likely benign. Last evaluated: 2025-10-01. Review status: criteria provided, single submitter. Criteria: CeGaT Center For Human Genetics Tuebingen Variant Classification Criteria Version 2. Collection method: clinical testing. Allele origin: germline. Affected: yes. Observed: 1 variant allele.
Comment: COQ8A: BP4, BP7